The following is an entry in ClinVar:

ClinVar aggregate classification (germline): Pathogenic/Likely pathogenic. Review status: criteria provided, multiple submitters, no conflicts (2 of 4 stars). 3 submissions from 3 submitters: Pathogenic (1); Likely pathogenic (1). 1 of the submissions does not count toward it. Last evaluated 2023-10-18.

Conditions:
KCNA2-related disorder. Also called: KCNA2-related condition.
Developmental and epileptic encephalopathy, 32 (DEE32). Also called: Epileptic encephalopathy, early infantile, 32. Identifiers: Orphanet 442835, MedGen C4225350, MONDO:0014607, OMIM 616366.

Submissions (3):

Labcorp Genetics (formerly Invitae), Labcorp
Classification: Pathogenic for Developmental and epileptic encephalopathy, 32. Last evaluated: 2023-10-18. Review status: criteria provided, single submitter. Criteria: Invitae Variant Classification Sherloc (09022015). Collection method: clinical testing. Allele origin: germline.
Comment: This sequence change replaces proline, which is neutral and non-polar, with arginine, which is basic and polar, at codon 407 of the KCNA2 protein (p.Pro407Arg). This variant is not present in population databases (gnomAD no frequency). This missense change has been observed in individual(s) with clinical features of KCNA2-related conditions (Invitae). In at least one individual the variant was observed to be de novo. ClinVar contains an entry for this variant (Variation ID: 1067683). Advanced modeling of protein sequence and biophysical properties (such as structural, functional, and spatial information, amino acid conservation, physicochemical variation, residue mobility, and thermodynamic stability) performed at Invitae indicates that this missense variant is expected to disrupt KCNA2 protein function. This variant disrupts the p.Pro407 amino acid residue in KCNA2. Other variant(s) that disrupt this residue have been determined to be pathogenic (PMID: 33802230; Invitae). This suggests that this residue is clinically significant, and that variants that disrupt this residue are likely to be disease-causing. For these reasons, this variant has been classified as Pathogenic.

Blueprint Genetics
Classification: Likely pathogenic for KCNA2-related disorders. Last evaluated: 2022-01-24. Review status: criteria provided, single submitter. Criteria: ACMG Guidelines, 2015. Collection method: clinical testing. Allele origin: germline. Affected: yes. Observed: 1 variant allele.

Department of Developmental Neurology, Medical University of Gdansk
No classification provided. Condition: Developmental and epileptic encephalopathy, 32. Review status: no classification provided. Collection method: phenotyping only. Allele origin: de novo. Inheritance: Autosomal dominant inheritance. Affected: yes. Observed: 1 heterozygote. Not counted in ClinVar's aggregate classification.

Literature cited by the submitters: PubMed 33802230 (cited by Labcorp Genetics (formerly Invitae), Labcorp).

NM_004974.4(KCNA2):c.1220C>G (p.Pro407Arg)

Gene: KCNA2 (potassium voltage-gated channel subfamily A member 2; minus strand). Cytogenetic location: 1p13.3.
Variant type: single nucleotide variant.
Coding change: c.1220C>G on transcript NM_004974.4 (MANE Select); coding-DNA position 1220, C replaced by G.
Protein change: p.Pro407Arg; replaces proline 407 with arginine.
Molecular consequence: missense variant. On other transcripts: intron variant (1).
Genome position (GRCh38, 1-based): chr1:110,603,563, G>C on the plus strand (C>G on the coding strand, the complement: KCNA2 is on the minus strand). VCF-style: chr1-110603563-G-C. GRCh37 (hg19) VCF-style: chr1-111146185-G-C.
Other names: c.894+326C>G (NM_001204269.2); short protein forms P407R.
Identifiers: ClinVar variation 1067683 (VCV001067683.12), dbSNP rs2101396301, ClinGen allele CA341601264.
Genomic context (GRCh38, chr1:110,603,563, plus strand): 5'-GCCTGTTCCTCTCCCTCTGTCTCCCGGTGGTAGAAGTAGTTGAAATTGGACACAATGACA[G>C]GGACCGGTAAGGCAATAGTTAACACACCTGCAATCGCACATAGGGAACCCACTATCTTTC-3'
Protein context (NP_004965.1, residues 397-417): AGVLTIALPV[Pro407Arg]VIVSNFNYFY